The following is an entry in ClinVar:

NM_000138.5(FBN1):c.4095C>T (p.Asp1365=)

Gene: FBN1 (fibrillin 1; minus strand). Cytogenetic location: 15q21.1.
Variant type: single nucleotide variant.
Coding change: c.4095C>T on transcript NM_000138.5 (MANE Select); coding-DNA position 4095, C replaced by T.
Protein change: p.Asp1365=; no amino-acid change (aspartic acid 1365 retained).
Molecular consequence: synonymous variant.
Genome position (GRCh38, 1-based): chr15:48,474,370, G>A on the plus strand (C>T on the coding strand, the complement: FBN1 is on the minus strand). VCF-style: chr15-48474370-G-A. GRCh37 (hg19) VCF-style: chr15-48766567-G-A.
Identifiers: ClinVar variation 444342 (VCV000444342.60), dbSNP rs375402043, ClinGen allele CA052067.

ClinVar aggregate classification (germline): Conflicting classifications of pathogenicity. Review status: criteria provided, conflicting classifications (1 of 4 stars). 8 submissions from 8 submitters: Uncertain significance (1); Likely benign (7). Last evaluated 2025-10-29.

Conditions:
Marfan syndrome (MFS). Also called: Marfan syndrome type 1; Marfan's syndrome; Marfan syndrome, classic; MARFAN SYNDROME, TYPE I; FBN1-Related Marfan Syndrome. Identifiers: Orphanet 284963, Orphanet 558, MedGen C0024796, MONDO:0007947, OMIM 154700.
Familial thoracic aortic aneurysm and aortic dissection (TAAD). Also called: Thoracic aortic aneurysms and dissections. Identifiers: Orphanet 91387, MedGen C4707243, MONDO:0019625.
FBN1-related disorder. Also called: FBN1-related disorders.

Allele frequency attached by ClinVar (database versions not stated): gnomAD 0.00004; ExAC 0.00006; gnomAD exomes 0.00006 and 0.00012; ESP Exome Variant Server 0.00008; TOPMed 0.00008.
gnomAD v4.1: 175 of 1,613,900 alleles (0.011%); highest among the groups gnomAD compares: Middle Eastern, 0.049%; no homozygotes.

Submissions (8):

Labcorp Genetics (formerly Invitae), Labcorp
Classification: Likely benign for Marfan syndrome; Familial thoracic aortic aneurysm and aortic dissection. Last evaluated: 2025-10-29. Review status: criteria provided, single submitter. Criteria: Invitae Variant Classification Sherloc (09022015). Collection method: clinical testing. Allele origin: germline.

PreventionGenetics, part of Exact Sciences
Classification: Likely benign for FBN1-related condition. Last evaluated: 2024-10-25. Review status: criteria provided, single submitter. Criteria: ACMG Guidelines, 2015. Collection method: clinical testing. Allele origin: germline.
Comment: This variant is classified as likely benign based on ACMG/AMP sequence variant interpretation guidelines (Richards et al. 2015 PMID: 25741868, with internal and published modifications).

All of Us Research Program, National Institutes of Health
Classification: Likely benign for Marfan syndrome. Last evaluated: 2023-07-11. Review status: criteria provided, single submitter. Criteria: ACMG Guidelines, 2015. Collection method: clinical testing. Allele origin: germline. Inheritance: Autosomal dominant inheritance. Observed: 8 variant alleles, 8 heterozygotes.
Comment: This study involves interpretation of variants in research participants for the purpose of population health screening. Participant phenotype was not available at the time of variant classification. Additional details can be found in publication PMID: 35346344, PMCID: PMC8962531

GeneDx
Classification: Likely benign. Last evaluated: 2020-02-12. Review status: criteria provided, single submitter. Criteria: GeneDx Variant Classification Process June 2021. Collection method: clinical testing. Allele origin: germline. Affected: yes.

Women's Health and Genetics/Laboratory Corporation of America, LabCorp
Classification: Likely benign. Last evaluated: 2020-01-31. Review status: criteria provided, single submitter. Criteria: LabCorp Variant Classification Summary - May 2015. Collection method: clinical testing. Allele origin: germline.

Color Diagnostics, LLC DBA Color Health
Classification: Likely benign for Familial thoracic aortic aneurysm and aortic dissection. Last evaluated: 2018-05-07. Review status: criteria provided, single submitter. Criteria: ACMG Guidelines, 2015. Collection method: clinical testing. Allele origin: germline.

Ambry Genetics
Classification: Likely benign for Familial thoracic aortic aneurysm and aortic dissection. Last evaluated: 2017-08-15. Review status: criteria provided, single submitter. Criteria: Ambry Variant Classification Scheme 2023. Collection method: clinical testing. Allele origin: germline.

CeGaT Center for Human Genetics Tuebingen
Classification: Uncertain significance. Last evaluated: 2017-02-01. Review status: criteria provided, single submitter. Criteria: CeGaT Center For Human Genetics Tuebingen Variant Classification Criteria Version 2. Collection method: clinical testing. Allele origin: germline. Affected: yes. Observed: 1 variant allele.